The following is an entry in ClinVar:

NM_004655.4(AXIN2):c.158C>T (p.Ser53Phe)

Gene: AXIN2 (axin 2; minus strand). Cytogenetic location: 17q24.1.
Variant type: single nucleotide variant.
Coding change: c.158C>T on transcript NM_004655.4 (MANE Select); coding-DNA position 158, C replaced by T.
Protein change: p.Ser53Phe; replaces serine 53 with phenylalanine.
Molecular consequence: missense variant.
Genome position (GRCh38, 1-based): chr17:65,558,463, G>A on the plus strand (C>T on the coding strand, the complement: AXIN2 is on the minus strand). VCF-style: chr17-65558463-G-A. GRCh37 (hg19) VCF-style: chr17-63554581-G-A.
Other names: c.158C>T, p.Ser53Phe (NM_001363813.1); short protein forms S53F.
Identifiers: ClinVar variation 3814688 (VCV003814688.1).

ClinVar aggregate classification (germline): Uncertain significance (1 of 4 stars; one submission).

Conditions:
Hereditary cancer-predisposing syndrome. Also called: Hereditary neoplastic syndrome; Neoplastic Syndromes, Hereditary; Tumor predisposition; Hereditary Cancer Syndrome. Identifiers: Orphanet 140162, MedGen C0027672, MeSH D009386, MONDO:0015356.

Submission:

Ambry Genetics
Classification: Uncertain significance for Hereditary cancer-predisposing syndrome. Last evaluated: 2025-02-16. Review status: criteria provided, single submitter. Criteria: Ambry Variant Classification Scheme 2023. Collection method: clinical testing. Allele origin: germline.
Comment: The p.S53F variant (also known as c.158C>T), located in coding exon 1 of the AXIN2 gene, results from a C to T substitution at nucleotide position 158. The serine at codon 53 is replaced by phenylalanine, an amino acid with highly dissimilar properties. This amino acid position is conserved. In addition, the in silico prediction for this alteration is inconclusive. Based on the available evidence, the clinical significance of this variant remains unclear.